The following is an entry in ClinVar:

ClinVar aggregate classification (germline): Likely pathogenic. Review status: criteria provided, single submitter (1 of 4 stars). 3 submissions from 2 submitters: Likely pathogenic (2). 1 of the submissions does not count toward it. Last evaluated 2024-04-05.

Conditions:
Neurodevelopmental disorder with language delay and variable cognitive abnormalities (NEDLC). Identifiers: MedGen C5882689, MONDO:0957779, OMIM 620502.
Global developmental delay (DD). Also called: Cognitive delay. Identifiers: MedGen C0557874, HP:0001263. Disease mechanism: loss of function.
Intellectual disability. Also called: Intellectual functioning disability; intellectual disabilities; Intellectual developmental disorder. Identifiers: MedGen C3714756, MeSH D008607, MONDO:0001071, HP:0001249.
Delayed speech and language development. Also called: Language delay. Identifiers: MedGen C0454644, HP:0000750.
Motor delay. Also called: Motor retardation; Motor Developmental Delay. Identifiers: MedGen C1854301, HP:0001270.
Atypical behavior. Also called: Behavioral abnormality; Behavioral disorders. Identifiers: MedGen C0004941, HP:0000708.

Submissions (3):

Institute of Human Genetics, University of Leipzig Medical Center
Classification: Likely pathogenic for Neurodevelopmental disorder with language delay and variable cognitive abnormalities. Last evaluated: 2024-04-05. Review status: criteria provided, single submitter. Criteria: ACMG Guidelines, 2015. Collection method: clinical testing. Allele origin: de novo. Inheritance: Autosomal dominant inheritance. Affected: yes.
Comment: Criteria applied: PS3, PS2_MOD, PM2_SUP, PP3; patient published in PMID: 36103875

Institute of Human Genetics, University of Leipzig Medical Center
Classification: Likely pathogenic for Atypical behavior; Delayed speech and language development; Intellectual disability; Global developmental delay; Motor delay. Last evaluated: 2022-12-02. Review status: criteria provided, single submitter. Criteria: ACMG Guidelines, 2015. Collection method: research. Allele origin: de novo. Affected: yes.
Comment: This variant was identified as de novo (maternity and paternity confirmed)._x000D_ Criteria applied: PS3, PS2_MOD, PM2_SUP, PP3

OMIM
Classification: Pathogenic for NEURODEVELOPMENTAL DISORDER WITH LANGUAGE DELAY AND VARIABLE COGNITIVE ABNORMALITIES. Last evaluated: 2023-09-11. Review status: no assertion criteria provided. Collection method: literature only. Allele origin: germline. Not counted in ClinVar's aggregate classification.

Literature cited by the submitters: PubMed 36103875 (cited by Institute of Human Genetics, University of Leipzig Medical Center); Cediel, M. L., Stawarski, M., Blanc, X., Noskova, L., Magner, M., Platzer, K., Gburek-Augustat, J., Baldridge, D., Constantino, J. N., Ranza, E., Bettler, B., Antonarakis, S. E. GABBR1 monoallelic de novo variants linked to neurodevelopmental delay and epilepsy. Am. J. Hum. Genet. 109: 1885-1893, 2022. (cited by OMIM).

NM_001470.4(GABBR1):c.1190C>T (p.Ala397Val)

Gene: GABBR1 (gamma-aminobutyric acid type B receptor subunit 1; minus strand). Cytogenetic location: 6p22.1.
Variant type: single nucleotide variant.
Coding change: c.1190C>T on transcript NM_001470.4 (MANE Select); coding-DNA position 1190, C replaced by T.
Protein change: p.Ala397Val; replaces alanine 397 with valine.
Molecular consequence: missense variant.
Genome position (GRCh38, 1-based): chr6:29,621,234, G>A on the plus strand (C>T on the coding strand, the complement: GABBR1 is on the minus strand). VCF-style: chr6-29621234-G-A. GRCh37 (hg19) VCF-style: chr6-29589011-G-A.
Other names: c.659C>T, p.Ala220Val (NM_001319053.2); c.839C>T, p.Ala280Val (NM_021903.3); c.1004C>T, p.Ala335Val (NM_021904.4); short protein forms A220V, A280V, A335V, A397V.
Identifiers: ClinVar variation 1804147 (VCV001804147.2), dbSNP rs2483298866, ClinGen allele CA363034463.
Genomic context (GRCh38, chr6:29,621,234, plus strand): 5'-TCAGTCATCTCATCCACTGTGCAGTTGATAGAAGGGTCGTAGATCTTGAACCAATTGTCA[G>A]CATACCACCCAATGAGGAACCAGACGTACTTCTTCCCAAAGAGACGCTCCTTGTACACCT-3'
Protein context (NP_001461.1, residues 387-407): KYVWFLIGWY[Ala397Val]DNWFKIYDPS